The following is an entry in ClinVar:

NM_001005242.3(PKP2):c.2171A>C (p.Lys724Thr)

Gene: PKP2 (plakophilin 2; minus strand). Cytogenetic location: 12p11.21.
Variant type: single nucleotide variant.
Coding change: c.2171A>C on transcript NM_001005242.3 (MANE Select); coding-DNA position 2171, A replaced by C.
Protein change: p.Lys724Thr; replaces lysine 724 with threonine.
Molecular consequence: missense variant.
Genome position (GRCh38, 1-based): chr12:32,796,295, T>G on the plus strand (A>C on the coding strand, the complement: PKP2 is on the minus strand). VCF-style: chr12-32796295-T-G. GRCh37 (hg19) VCF-style: chr12-32949229-T-G.
Other names: c.2303A>C, p.Lys768Thr (NM_004572.4); short protein forms K768T, K724T.
Identifiers: ClinVar variation 191764 (VCV000191764.12), dbSNP rs201487421, ClinGen allele CA011907.

ClinVar aggregate classification (germline): Conflicting classifications of pathogenicity. Review status: criteria provided, conflicting classifications (1 of 4 stars). 4 submissions from 4 submitters: Uncertain significance (2); Likely benign (2). Last evaluated 2025-08-05.

Conditions:
Cardiomyopathy (CMYO). Also called: Cardiomyopathies. Identifiers: Orphanet 167848, MedGen C0878544, MONDO:0004994, HP:0001638. Inheritance: Various modes of inheritance.
Arrhythmogenic right ventricular cardiomyopathy (ARVD). Also called: Arrhythmogenic cardiomyopathy; Arrhythmogenic Right Ventricular Cardiomyopathy (ARVC); Cardiomyopathy, ARVC; Arrhythmogenic right ventricular dysplasia. Identifiers: Orphanet 247, MedGen C0349788, MeSH D019571, MONDO:0016587. Disease mechanism: loss of function. Inheritance: Various modes of inheritance.
Arrhythmogenic right ventricular dysplasia 9 (ARVD9). Also called: Arrhythmogenic Right Ventricular Dysplasia/Cardiomyopathy 9; ARRHYTHMOGENIC RIGHT VENTRICULAR DYSPLASIA, FAMILIAL, 9. Identifiers: MedGen C1836906, MONDO:0012180, OMIM 609040.

Allele frequency attached by ClinVar (database versions not stated): TOPMed 0.00001; gnomAD exomes 0.00006; ExAC 0.00008; 1000 Genomes Project 30x 0.00047; 1000 Genomes Project 0.00060.
gnomAD v4.1: 123 of 1,610,404 alleles (0.0076%); highest among the groups gnomAD compares: East Asian, 0.28%; 1 homozygote.

Submissions (4):

Labcorp Genetics (formerly Invitae), Labcorp
Classification: Uncertain significance for Arrhythmogenic right ventricular dysplasia 9. Last evaluated: 2025-08-05. Review status: criteria provided, single submitter. Criteria: Invitae Variant Classification Sherloc (09022015). Collection method: clinical testing. Allele origin: germline.
Comment: This sequence change replaces lysine, which is basic and polar, with threonine, which is neutral and polar, at codon 768 of the PKP2 protein (p.Lys768Thr). This variant is present in population databases (rs201487421, gnomAD 0.08%). This variant has not been reported in the literature in individuals affected with PKP2-related conditions. ClinVar contains an entry for this variant (Variation ID: 191764). An algorithm developed to predict the effect of missense changes on protein structure and function (PolyPhen-2) suggests that this variant is likely to be disruptive. In summary, the available evidence is currently insufficient to determine the role of this variant in disease. Therefore, it has been classified as a Variant of Uncertain Significance.

All of Us Research Program, National Institutes of Health
Classification: Likely benign for Arrhythmogenic right ventricular cardiomyopathy. Last evaluated: 2023-11-20. Review status: criteria provided, single submitter. Criteria: ACMG Guidelines, 2015. Collection method: clinical testing. Allele origin: germline. Inheritance: Autosomal dominant inheritance. Observed: 3 variant alleles, 3 heterozygotes.
Comment: This study involves interpretation of variants in research participants for the purpose of population health screening. Participant phenotype was not available at the time of variant classification. Additional details can be found in publication PMID: 35346344, PMCID: PMC8962531

Color Diagnostics, LLC DBA Color Health
Classification: Likely benign for Cardiomyopathy. Last evaluated: 2019-10-16. Review status: criteria provided, single submitter. Criteria: ACMG Guidelines, 2015. Collection method: clinical testing. Allele origin: germline.

Biesecker Lab/Clinical Genomics Section, National Institutes of Health
Classification: Uncertain significance. Last evaluated: 2013-06-24. Review status: criteria provided, single submitter. Criteria: Ng et al. (Circ Cardiovasc Genet. 2013). Collection method: research. Allele origin: unknown. Observed: 1 variant allele. Study: ClinSeq.
Comment: The study set was not selected for affection status in relation to any cancer. Pathogenicity categories were based on literature curation. See Pubmed ID:23861362 for details.

Medical sequencing